The following is an entry in ClinVar:

NM_001399.5(EDA):c.1067C>A (p.Ala356Asp)

Gene: EDA (ectodysplasin A; plus strand). Cytogenetic location: Xq13.1.
Variant type: single nucleotide variant.
Coding change: c.1067C>A on transcript NM_001399.5 (MANE Select); coding-DNA position 1067, C replaced by A.
Protein change: p.Ala356Asp; replaces alanine 356 with aspartic acid.
Molecular consequence: missense variant.
Genome position (GRCh38, 1-based): chrX:70,035,500, C>A. VCF-style: chrX-70035500-C-A. GRCh37 (hg19) VCF-style: chrX-69255350-C-A.
Other names: c.1067C>A (NM_001399.4); c.1061C>A, p.Ala354Asp (NM_001005609.2); c.1052C>A, p.Ala351Asp (NM_001005612.3); short protein forms A351D, A354D, A356D.
Identifiers: ClinVar variation 1072864 (VCV001072864.9), dbSNP rs876657639, ClinGen allele CA413450130.

ClinVar aggregate classification (germline): Pathogenic/Likely pathogenic. Review status: criteria provided, multiple submitters, no conflicts (2 of 4 stars). 2 submissions from 2 submitters: Pathogenic (1); Likely pathogenic (1). Last evaluated 2024-07-08.

Conditions:
Hypohidrotic X-linked ectodermal dysplasia (XHED). Also called: ECTODERMAL DYSPLASIA 1; ECTODERMAL DYSPLASIA 1, HYPOHIDROTIC, X-LINKED; ECTODERMAL DYSPLASIA 1, HYPOHIDROTIC/HAIR/TOOTH TYPE, X-LINKED; Christ-Siemans-Touraine syndrome; Anhidrotic ectodermal dysplasia X-linked; Christ Siemens Touraine syndrome. Identifiers: Orphanet 181, Orphanet 238468, MedGen C0162359, MONDO:0010585, OMIM 305100.

Submissions (2):

GeneDx
Classification: Likely pathogenic. Last evaluated: 2024-07-08. Review status: criteria provided, single submitter. Criteria: GeneDx Variant Classification Process June 2021. Collection method: clinical testing. Allele origin: germline. Affected: yes.
Comment: Published functional studies suggest a damaging effect on protein function as the variant induces a folding or solubility defect prohibiting protein secretion (PMID: 11279189); In silico analysis indicates that this missense variant does not alter protein structure/function; Missense variants in this gene are a common cause of disease and they are underrepresented in the general population; Not observed at significant frequency in large population cohorts (gnomAD); This variant is associated with the following publications: (PMID: 14656435, 26345974, 9683615, 11279189)

Labcorp Genetics (formerly Invitae), Labcorp
Classification: Pathogenic for Hypohidrotic X-linked ectodermal dysplasia. Last evaluated: 2022-11-08. Review status: criteria provided, single submitter. Criteria: Invitae Variant Classification Sherloc (09022015). Collection method: clinical testing. Allele origin: germline.
Comment: For these reasons, this variant has been classified as Pathogenic. This sequence change replaces alanine, which is neutral and non-polar, with aspartic acid, which is acidic and polar, at codon 356 of the EDA protein (p.Ala356Asp). This variant is not present in population databases (gnomAD no frequency). This missense change has been observed in individual(s) with ectodermal dysplasia (PMID: 9683615; Invitae). ClinVar contains an entry for this variant (Variation ID: 1072864). Advanced modeling of protein sequence and biophysical properties (such as structural, functional, and spatial information, amino acid conservation, physicochemical variation, residue mobility, and thermodynamic stability) performed at Invitae indicates that this missense variant is expected to disrupt EDA protein function. Experimental studies have shown that this missense change affects EDA function (PMID: 11279189). This variant disrupts the p.Ala356 amino acid residue in EDA. Other variant(s) that disrupt this residue have been determined to be pathogenic (PMID: 20979233; Invitae). This suggests that this residue is clinically significant, and that variants that disrupt this residue are likely to be disease-causing.

Literature cited by the submitters: PubMed 9683615 (cited by Labcorp Genetics (formerly Invitae), Labcorp); PubMed 11279189 (cited by Labcorp Genetics (formerly Invitae), Labcorp); PubMed 20979233 (cited by Labcorp Genetics (formerly Invitae), Labcorp).